The following is an entry in ClinVar:

ClinVar aggregate classification (germline): Pathogenic. Review status: criteria provided, single submitter (1 of 4 stars). 2 submissions from 2 submitters: Pathogenic (1). 1 of the submissions does not count toward it. Last evaluated 2023-02-16.

Conditions:
NF1-related disorder. Also called: NF1-related condition. Identifiers: MedGen CN379171.
Neurofibromatosis, type 1 (NF1). Also called: Neurofibromatosis, type I; Peripheral type neurofibromatosis; VON RECKLINGHAUSEN DISEASE; NEUROFIBROMATOSIS, TYPE I, SOMATIC. Identifiers: Orphanet 636, MedGen C0027831, MONDO:0018975, OMIM 162200. Disease mechanism: loss of function.

Submissions (2):

Labcorp Genetics (formerly Invitae), Labcorp
Classification: Pathogenic for Neurofibromatosis, type 1. Last evaluated: 2023-02-16. Review status: criteria provided, single submitter. Criteria: Invitae Variant Classification Sherloc (09022015). Collection method: clinical testing. Allele origin: germline.
Comment: For these reasons, this variant has been classified as Pathogenic. Algorithms developed to predict the effect of sequence changes on RNA splicing suggest that this variant may create or strengthen a splice site. This sequence change creates a premature translational stop signal (p.Lys1683*) in the NF1 gene. It is expected to result in an absent or disrupted protein product. Loss-of-function variants in NF1 are known to be pathogenic (PMID: 10712197, 23913538). This variant is not present in population databases (gnomAD no frequency). This premature translational stop signal has been observed in individual(s) with clinical features of neurofibromatosis, type 1 (PMID: 26740943).

PreventionGenetics, part of Exact Sciences
Classification: Pathogenic for NF1-related condition. Last evaluated: 2024-09-04. Review status: no assertion criteria provided. Collection method: clinical testing. Allele origin: germline. Not counted in ClinVar's aggregate classification.
Comment: The NF1 c.5110A>T variant is predicted to result in premature protein termination (p.Lys1704*). This variant is also referred to as c.5047A>T (p.Lys1683*) in an alternate transcript (NM_000267). This variant has been reported in the heterozygous state in an individual with neurofibromatosis type 1 (Table S2, Bianchessi et al. 2015. PubMed ID: 26740943). This variant has not been reported in a large population database, indicating it is rare. Nonsense variants in NF1 are expected to be pathogenic. This variant is interpreted as pathogenic.

Literature cited by the submitters: PubMed 10712197 (cited by Labcorp Genetics (formerly Invitae), Labcorp); PubMed 23913538 (cited by Labcorp Genetics (formerly Invitae), Labcorp); PubMed 26740943 (cited by Labcorp Genetics (formerly Invitae), Labcorp).

NM_001042492.3(NF1):c.5110A>T (p.Lys1704Ter)

Gene: NF1 (neurofibromin 1; plus strand). Cytogenetic location: 17q11.2.
Variant type: single nucleotide variant.
Coding change: c.5110A>T on transcript NM_001042492.3 (MANE Select); coding-DNA position 5110, A replaced by T.
Protein change: p.Lys1704Ter; replaces lysine 1704 with a stop codon.
Molecular consequence: nonsense.
Genome position (GRCh38, 1-based): chr17:31,326,094, A>T. VCF-style: chr17-31326094-A-T. GRCh37 (hg19) VCF-style: chr17-29653112-A-T.
Other names: c.5047A>T, p.Lys1683Ter (NM_000267.4); short protein forms K1683*, K1704*.
Identifiers: ClinVar variation 2736557 (VCV002736557.4), dbSNP rs2151538518, ClinGen allele CA399007644.
Genomic context (GRCh38, chr17:31,326,094, plus strand): 5'-TCCTGGGTCAGGGAGTACACCAAGTATCATGAGCGGCTGCTGACTGGCCTCAAAGGTAGC[A>T]AAAGGCTTGTTTTCATAGACTGTCCTGGGAAACTGGCTGAGCACATAGAGCATGAACAAC-3'